The following is an entry in ClinVar:

ClinVar aggregate classification (germline): Likely pathogenic (1 of 4 stars; one submission).

Conditions:
Charlevoix-Saguenay spastic ataxia (SACS). Also called: AUTOSOMAL RECESSIVE SPASTIC ATAXIA OF CHARLEVOIX-SAGUENAY; SPASTIC ATAXIA 6, AUTOSOMAL RECESSIVE; Spastic ataxia of Charlevoix-Saguenay. Identifiers: Orphanet 98, MedGen C1849140, MONDO:0010041, OMIM 270550.

Submission:

Lifecell International Pvt. Ltd
Classification: Likely pathogenic for Charlevoix-Saguenay spastic ataxia. Review status: criteria provided, single submitter. Criteria: ACMG Guidelines, 2015. Collection method: clinical testing. Allele origin: germline. Inheritance: Autosomal recessive inheritance. Affected: yes. Observed: 1 compound heterozygote.
Comment: A Heterozygous Splice site donor variant c.2185+1G>T in Exon 9 of the SACS gene that results in the amino acid substitution was identified. The observed variant is novel in gnomAD exomes and genomes, respectively. The severity of the impact of this variant on the protein is high, based on the effect of the protein and REVEL score. Rare Exome Variant Ensemble Learner (REVEL) is an ensembl method for predicting the pathogenicity of missense variants based on a combination of scores from 13 individual tools: MutPred, FATHMM v2.3, VEST 3.0, PolyPhen-2, SIFT, PROVEAN, MutationAssessor, MutationTaster, LRT, GERP++, SiPhy, phyloP, and phastCons. The REVEL score for an individual missense variant can range from 0 to 1, with higher scores reflecting greater likelihood that the variant is disease-causing. For these reasons, this variant has been classified as Likely Pathogenic.

NM_014363.6(SACS):c.2185+1G>T

Gene: SACS (sacsin molecular chaperone; minus strand). Cytogenetic location: 13q12.12.
Variant type: single nucleotide variant.
Coding change: c.2185+1G>T on transcript NM_014363.6 (MANE Select); the canonical splice donor site of the intron after coding-DNA position 2185, G replaced by T.
Molecular consequence: splice donor variant.
Genome position (GRCh38, 1-based): chr13:23,353,784, C>A on the plus strand (G>T on the coding strand, the complement: SACS is on the minus strand). VCF-style: chr13-23353784-C-A. GRCh37 (hg19) VCF-style: chr13-23927923-C-A.
Other names: c.1744+1G>T (NM_001278055.2).
Identifiers: ClinVar variation 2501717 (VCV002501717.1), dbSNP rs2542384410, ClinGen allele CA387542776.